The following is an entry in ClinVar:

NM_213622.4(STAMBP):c.406A>G (p.Met136Val)

Gene: STAMBP (STAM binding protein; plus strand). Cytogenetic location: 2p13.1.
Variant type: single nucleotide variant.
Coding change: c.406A>G on transcript NM_213622.4 (MANE Select); coding-DNA position 406, A replaced by G.
Protein change: p.Met136Val; replaces methionine 136 with valine.
Molecular consequence: missense variant. On other transcripts: initiator codon variant (6), non-coding transcript variant (4).
Genome position (GRCh38, 1-based): chr2:73,847,417, A>G. VCF-style: chr2-73847417-A-G. GRCh37 (hg19) VCF-style: chr2-74074544-A-G.
Other names: c.406A>G, p.Met136Val (NM_001353967.2, NM_001353968.2, NM_001353969.2 and 3 more transcripts); c.1A>G, p.Met1Val (NM_001353971.2, NM_001353972.2, NM_001353973.2 and 3 more transcripts); c.406A>G (NM_213622.2); short protein forms M1V, M136V.
Identifiers: ClinVar variation 2189868 (VCV002189868.3), dbSNP rs751872971, ClinGen allele CA1717549.
Genomic context (GRCh38, chr2:73,847,417, plus strand): 5'-AGTGTTAGCCTAAATTTTCTCTCTTTGTAGAAGAAGGAAGCAGAGGAATTGGCCCGGAAC[A>G]TGGCCATCCAGCAAGAGCTGGAAAAGGAAAAACAGAGGGTAGCACAACAGAAGCAGCAGC-3'
Protein context (NP_998787.1, residues 126-146): KKEAEELARN[Met136Val]AIQQELEKEK

ClinVar aggregate classification (germline): Conflicting classifications of pathogenicity. Review status: criteria provided, conflicting classifications (1 of 4 stars). 2 submissions from 2 submitters: Uncertain significance (1); Likely benign (1). Last evaluated 2022-07-18.

Conditions:
Inborn genetic diseases. Identifiers: MedGen C0950123, MeSH D030342.

Allele frequency attached by ClinVar (database versions not stated): gnomAD 0.00001; TOPMed 0.00001; gnomAD exomes 0.00002; ExAC 0.00004.

Submissions (2):

Labcorp Genetics (formerly Invitae), Labcorp
Classification: Uncertain significance. Last evaluated: 2022-07-18. Review status: criteria provided, single submitter. Criteria: Invitae Variant Classification Sherloc (09022015). Collection method: clinical testing. Allele origin: germline.
Comment: This sequence change replaces methionine, which is neutral and non-polar, with valine, which is neutral and non-polar, at codon 136 of the STAMBP protein (p.Met136Val). This variant is present in population databases (rs751872971, gnomAD 0.03%). This variant has not been reported in the literature in individuals affected with STAMBP-related conditions. Algorithms developed to predict the effect of missense changes on protein structure and function output the following: SIFT: "Tolerated"; PolyPhen-2: "Benign"; Align-GVGD: "Class C0". The valine amino acid residue is found in multiple mammalian species, which suggests that this missense change does not adversely affect protein function. In summary, the available evidence is currently insufficient to determine the role of this variant in disease. Therefore, it has been classified as a Variant of Uncertain Significance.

Ambry Genetics
Classification: Likely benign for Inborn genetic diseases. Last evaluated: 2022-03-23. Review status: criteria provided, single submitter. Criteria: Ambry Variant Classification Scheme 2023. Collection method: clinical testing. Allele origin: germline.